The following is an entry in ClinVar:

ClinVar aggregate classification (germline): Uncertain significance. Review status: criteria provided, multiple submitters, no conflicts (2 of 4 stars). 2 submissions from 2 submitters: Uncertain significance (2). Last evaluated 2024-10-23.

Conditions:
Fanconi anemia (FA). Also called: Fanconi's anemia. Identifiers: Orphanet 84, MedGen C0015625, MeSH D005199, MONDO:0019391.
Spermatogenic failure 28. Identifiers: MedGen C4748117, MONDO:0054732, OMIM 618086.
Premature ovarian failure 15. Identifiers: MedGen C4748170, MONDO:0054862, OMIM 618096.

gnomAD v4.1: 1 of 1,612,818 alleles (0.000062%); highest among the groups gnomAD compares: East Asian, 0.0022%; no homozygotes.

Submissions (2):

Labcorp Genetics (formerly Invitae), Labcorp
Classification: Uncertain significance for Fanconi anemia. Last evaluated: 2024-10-23. Review status: criteria provided, single submitter. Criteria: Invitae Variant Classification Sherloc (09022015). Collection method: clinical testing. Allele origin: germline.
Comment: This sequence change falls in intron 1 of the FANCM gene. It does not directly change the encoded amino acid sequence of the FANCM protein. It affects a nucleotide within the consensus splice site. This variant is not present in population databases (gnomAD no frequency). This variant has not been reported in the literature in individuals affected with FANCM-related conditions. ClinVar contains an entry for this variant (Variation ID: 313192). Variants that disrupt the consensus splice site are a relatively common cause of aberrant splicing (PMID: 17576681, 9536098). Algorithms developed to predict the effect of sequence changes on RNA splicing suggest that this variant is not likely to affect RNA splicing. In summary, the available evidence is currently insufficient to determine the role of this variant in disease. Therefore, it has been classified as a Variant of Uncertain Significance.

Fulgent Genetics
Classification: Uncertain significance for Spermatogenic failure 28; Premature ovarian failure 15. Last evaluated: 2024-04-10. Review status: criteria provided, single submitter. Criteria: ACMG Guidelines, 2015. Collection method: clinical testing. Allele origin: germline.

Literature cited by the submitters: PubMed 17576681 (cited by Labcorp Genetics (formerly Invitae), Labcorp); PubMed 9536098 (cited by Labcorp Genetics (formerly Invitae), Labcorp).

NM_020937.4(FANCM):c.508+5C>G

Gene: FANCM (FA complementation group M; plus strand). Cytogenetic location: 14q21.2.
Variant type: single nucleotide variant.
Coding change: c.508+5C>G on transcript NM_020937.4 (MANE Select); 5 bases into the intron after coding-DNA position 508, C replaced by G.
Molecular consequence: intron variant.
Genome position (GRCh38, 1-based): chr14:45,136,544, C>G. VCF-style: chr14-45136544-C-G. GRCh37 (hg19) VCF-style: chr14-45605747-C-G.
Other names: c.508+5C>G (NM_001308133.2, NM_001308134.2).
Identifiers: ClinVar variation 313192 (VCV000313192.8), dbSNP rs886050497, ClinGen allele CA10645357.
Genomic context (GRCh38, chr14:45,136,544, plus strand): 5'-CGAGGCTTGCTACCAGGTGATGGGTATCCCGCAATCCCACATGGCCGAAATGACAGGTAT[C>G]TTAGACTGGACTAATTTTGAAGTAAGAGCTGGGAATTCCTGACCCATGTGGAATAGTTCC-3'